The following is an entry in ClinVar:

ClinVar aggregate classification (germline): Uncertain significance (1 of 4 stars; one submission).

Conditions:
Hereditary cancer-predisposing syndrome. Also called: Tumor predisposition; Hereditary neoplastic syndrome; Hereditary Cancer Syndrome; Neoplastic Syndromes, Hereditary. Identifiers: Orphanet 140162, MedGen C0027672, MeSH D009386, MONDO:0015356.

Submission:

Ambry Genetics
Classification: Uncertain significance for Hereditary cancer-predisposing syndrome. Last evaluated: 2025-04-06. Review status: criteria provided, single submitter. Criteria: Ambry Variant Classification Scheme 2023. Collection method: clinical testing. Allele origin: germline.
Comment: The p.Q97K variant (also known as c.289C>A), located in coding exon 2 of the POLD1 gene, results from a C to A substitution at nucleotide position 289. The glutamine at codon 97 is replaced by lysine, an amino acid with similar properties. This amino acid position is conserved. In addition, the in silico prediction for this alteration is inconclusive. Based on the available evidence, the clinical significance of this variant remains unclear.

NM_002691.4(POLD1):c.289C>A (p.Gln97Lys)

Gene: POLD1 (DNA polymerase delta 1, catalytic subunit; plus strand). Cytogenetic location: 19q13.33.
Variant type: single nucleotide variant.
Coding change: c.289C>A on transcript NM_002691.4 (MANE Select); coding-DNA position 289, C replaced by A.
Protein change: p.Gln97Lys; replaces glutamine 97 with lysine.
Molecular consequence: missense variant. On other transcripts: non-coding transcript variant (1).
Genome position (GRCh38, 1-based): chr19:50,399,457, C>A. VCF-style: chr19-50399457-C-A. GRCh37 (hg19) VCF-style: chr19-50902714-C-A.
Other names: c.289C>A, p.Gln97Lys (NM_001256849.1, NM_001308632.1); short protein forms Q97K.
Identifiers: ClinVar variation 3935554 (VCV003935554.1).
Genomic context (GRCh38, chr19:50,399,457, plus strand): 5'-CCTCGCTGGCTTCGGCCCACACCACCAGCGCTGGACCCCCAGACAGAGCCCCTCATCTTC[C>A]AACAGTTGGAGATTGACCATTATGTGGGTGAGTTTAGGGGTTATGGGTGAGTGCTGGGGC-3'
Protein context (NP_002682.2, residues 87-107): LDPQTEPLIF[Gln97Lys]QLEIDHYVGP